The following is an entry in ClinVar:

NM_001005273.3(CHD3):c.2238G>T (p.Trp746Cys)

Gene: CHD3 (chromodomain helicase DNA binding protein 3; plus strand). Cytogenetic location: 17p13.1.
Variant type: single nucleotide variant.
Coding change: c.2238G>T on transcript NM_001005273.3 (MANE Select); coding-DNA position 2238, G replaced by T.
Protein change: p.Trp746Cys; replaces tryptophan 746 with cysteine.
Molecular consequence: missense variant.
Genome position (GRCh38, 1-based): chr17:7,899,097, G>T. VCF-style: chr17-7899097-G-T. GRCh37 (hg19) VCF-style: chr17-7802415-G-T.
Other names: c.2415G>T, p.Trp805Cys (NM_001005271.3); c.2238G>T, p.Trp746Cys (NM_005852.4); short protein forms W746C, W805C.
Identifiers: ClinVar variation 3359584 (VCV003359584.1).

ClinVar aggregate classification (germline): Uncertain significance (1 of 4 stars; one submission).

Submission:

GeneDx
Classification: Uncertain significance. Last evaluated: 2023-06-06. Review status: criteria provided, single submitter. Criteria: GeneDx Variant Classification Process June 2021. Collection method: clinical testing. Allele origin: germline. Affected: yes.
Comment: Not observed at significant frequency in large population cohorts (gnomAD); In silico analysis supports that this missense variant has a deleterious effect on protein structure/function; Has not been previously published as pathogenic or benign to our knowledge